The following is an entry in ClinVar:

NM_020738.4(KIDINS220):c.3433C>G (p.Leu1145Val)

Gene: KIDINS220 (kinase D interacting substrate 220; minus strand). Cytogenetic location: 2p25.1.
Variant type: single nucleotide variant.
Coding change: c.3433C>G on transcript NM_020738.4 (MANE Select); coding-DNA position 3433, C replaced by G.
Protein change: p.Leu1145Val; replaces leucine 1145 with valine.
Molecular consequence: missense variant. On other transcripts: non-coding transcript variant (1), intron variant (8).
Genome position (GRCh38, 1-based): chr2:8,747,982, G>C on the plus strand (C>G on the coding strand, the complement: KIDINS220 is on the minus strand). VCF-style: chr2-8747982-G-C. GRCh37 (hg19) VCF-style: chr2-8888112-G-C.
Other names: c.3436C>G, p.Leu1146Val (NM_001348729.2, NM_001348731.2); c.3433C>G, p.Leu1145Val (NM_001348732.2, NM_001348738.2); c.3414+2130C>G (NM_001348741.2, NM_001348742.2, NM_001348743.2 and 1 more transcripts); c.3417+2130C>G (NM_001348739.2, NM_001348740.2, NM_001348734.2); c.3288+2130C>G (NM_001348736.2); short protein forms L1146V, L1145V.
Identifiers: ClinVar variation 4988787 (VCV004988787.1).
Genomic context (GRCh38, chr2:8,747,982, plus strand): 5'-TTACTGATGGACGTGAGATGAGATGTTGGGAGCCGCCAGGGTAATACCTTGGCGTGTAAA[G>C]GTATGGGGCAAAGAATGGCTATGGAAAAACATGTAACAAAAAAGGGGTAAACAATTACAG-3'
Protein context (NP_065789.1, residues 1135-1155): FYNRPFFAPY[Leu1145Val]YTPRYYPGGS

ClinVar aggregate classification (germline): Uncertain significance (1 of 4 stars; one submission).

Conditions:
KIDINS220-related disorder. Also called: KIDINS220-related condition.

gnomAD v4.1: 5 of 1,571,670 alleles (0.00032%); highest among the groups gnomAD compares: Non-Finnish European, 0.00034%; no homozygotes.

Submission:

PreventionGenetics, part of Exact Sciences
Classification: Uncertain significance for KIDINS220-related condition. Last evaluated: 2026-02-08. Review status: criteria provided, single submitter. Criteria: ACMG Guidelines, 2015. Collection method: clinical testing. Allele origin: germline.
Comment: The KIDINS220 c.3433C>G variant is predicted to result in the amino acid substitution p.Leu1145Val. To our knowledge, this variant has not been reported in the literature. This variant is reported in 0.0019% of alleles in individuals of European (Non-Finnish) descent in gnomAD. At this time, the clinical significance of this variant is uncertain due to the absence of conclusive functional and genetic evidence.